The following is an entry in ClinVar:

ClinVar aggregate classification (germline): Benign/Likely benign. Review status: criteria provided, multiple submitters, no conflicts (2 of 4 stars). 4 submissions from 4 submitters: Benign (1); Likely benign (3). Last evaluated 2024-11-01.

Conditions:
Pseudohypoaldosteronism type 2D (PHA2D). Also called: Pseudohypoaldosteronism Type IID; FAMILIAL HYPERKALEMIC HYPERTENSION; PSEUDOHYPOALDOSTERONISM, TYPE IID, AUTOSOMAL DOMINANT OR RECESSIVE. Identifiers: Orphanet 300525, Orphanet 757, MedGen C3469605, MONDO:0013781, OMIM 614495.

Allele frequency attached by ClinVar (database versions not stated): gnomAD exomes 0.00004; ExAC 0.00007; ESP Exome Variant Server 0.00015; gnomAD 0.00016; TOPMed 0.00017; 1000 Genomes Project 30x 0.00047; 1000 Genomes Project 0.00060.
gnomAD v4.1: 60 of 1,614,176 alleles (0.0037%); highest among the groups gnomAD compares: Middle Eastern, 0.066%; no homozygotes.

Submissions (4):

Blueprint Genetics
Classification: Likely benign. Last evaluated: 2024-11-01. Review status: criteria provided, single submitter. Criteria: ACMG Guidelines, 2015. Collection method: clinical testing. Allele origin: germline.

Labcorp Genetics (formerly Invitae), Labcorp
Classification: Likely benign. Last evaluated: 2022-04-19. Review status: criteria provided, single submitter. Criteria: Invitae Variant Classification Sherloc (09022015). Collection method: clinical testing. Allele origin: germline.

Fulgent Genetics
Classification: Likely benign for Pseudohypoaldosteronism type 2D. Last evaluated: 2021-12-05. Review status: criteria provided, single submitter. Criteria: ACMG Guidelines, 2015. Collection method: clinical testing. Allele origin: unknown.

Illumina Laboratory Services, Illumina
Classification: Benign for Pseudohypoaldosteronism type 2D. Last evaluated: 2018-01-13. Review status: criteria provided, single submitter. Criteria: ICSL Variant Classification Criteria 13 December 2019. Collection method: clinical testing. Allele origin: germline.
Comment: This variant was observed in the ICSL laboratory as part of a predisposition screen in an ostensibly healthy population. It had not been previously curated by ICSL or reported in the Human Gene Mutation Database (HGMD: prior to June 1st, 2018), and was therefore a candidate for classification through an automated scoring system. Utilizing variant allele frequency, disease prevalence and penetrance estimates, and inheritance mode, an automated score was calculated to assess if this variant is too frequent to cause the disease. Based on the score and internal cut-off values, a variant classified as benign is not then subjected to further curation. The score for this variant resulted in a classification of benign for this disease.

NM_017415.3(KLHL3):c.1401C>A (p.Thr467=)

Gene: KLHL3 (kelch like family member 3; minus strand). Cytogenetic location: 5q31.2.
Variant type: single nucleotide variant.
Coding change: c.1401C>A on transcript NM_017415.3 (MANE Select); coding-DNA position 1401, C replaced by A.
Protein change: p.Thr467=; no amino-acid change (threonine 467 retained).
Molecular consequence: synonymous variant.
Genome position (GRCh38, 1-based): chr5:137,634,086, G>T on the plus strand (C>A on the coding strand, the complement: KLHL3 is on the minus strand). VCF-style: chr5-137634086-G-T. GRCh37 (hg19) VCF-style: chr5-136969775-G-T.
Other names: c.1305C>A, p.Thr435= (NM_001257194.1); c.1155C>A, p.Thr385= (NM_001257195.2).
Identifiers: ClinVar variation 350986 (VCV000350986.12), dbSNP rs35420153, ClinGen allele CA3422217.